The following is an entry in ClinVar:

NM_017950.4(CCDC40):c.956A>G (p.Gln319Arg)

Gene: CCDC40 (coiled-coil domain 40 molecular ruler complex subunit; plus strand). Cytogenetic location: 17q25.3.
Variant type: single nucleotide variant.
Coding change: c.956A>G on transcript NM_017950.4 (MANE Select); coding-DNA position 956, A replaced by G.
Protein change: p.Gln319Arg; replaces glutamine 319 with arginine.
Molecular consequence: missense variant.
Genome position (GRCh38, 1-based): chr17:80,050,080, A>G. VCF-style: chr17-80050080-A-G. GRCh37 (hg19) VCF-style: chr17-78023879-A-G.
Other names: c.956A>G, p.Gln319Arg (NM_001243342.2, NM_001330508.2); short protein forms Q319R.
Identifiers: ClinVar variation 944060 (VCV000944060.7), dbSNP rs1428646439, ClinGen allele CA401355022.

ClinVar aggregate classification (germline): Uncertain significance (1 of 4 stars; one submission).

Conditions:
Primary ciliary dyskinesia. Also called: Ciliary dyskinesia. Identifiers: Orphanet 244, MedGen C0008780, MONDO:0016575, HP:0012265.

Allele frequency attached by ClinVar (database versions not stated): gnomAD exomes below 0.00001; gnomAD 0.00001; TOPMed 0.00001.
gnomAD v4.1: 7 of 1,613,776 alleles (0.00043%); highest among the groups gnomAD compares: Non-Finnish European, 0.00059%; no homozygotes.

Submission:

Labcorp Genetics (formerly Invitae), Labcorp
Classification: Uncertain significance for Primary ciliary dyskinesia. Last evaluated: 2021-08-24. Review status: criteria provided, single submitter. Criteria: Invitae Variant Classification Sherloc (09022015). Collection method: clinical testing. Allele origin: germline.
Comment: This sequence change replaces glutamine with arginine at codon 319 of the CCDC40 protein (p.Gln319Arg). The glutamine residue is moderately conserved and there is a small physicochemical difference between glutamine and arginine. This variant is not present in population databases (ExAC no frequency). This variant has not been reported in the literature in individuals affected with CCDC40-related conditions. Algorithms developed to predict the effect of missense changes on protein structure and function (SIFT, PolyPhen-2, Align-GVGD) all suggest that this variant is likely to be tolerated. In summary, the available evidence is currently insufficient to determine the role of this variant in disease. Therefore, it has been classified as a Variant of Uncertain Significance.